The following is an entry in ClinVar:

NM_001851.6(COL9A1):c.976-173C>A

Gene: COL9A1 (collagen type IX alpha 1 chain; minus strand). Cytogenetic location: 6q13.
Variant type: single nucleotide variant.
Coding change: c.976-173C>A on transcript NM_001851.6 (MANE Select); 173 bases into the intron before coding-DNA position 976, C replaced by A.
Molecular consequence: intron variant.
Genome position (GRCh38, 1-based): chr6:70,274,945, G>T on the plus strand (C>A on the coding strand, the complement: COL9A1 is on the minus strand). VCF-style: chr6-70274945-G-T. GRCh37 (hg19) VCF-style: chr6-70984648-G-T.
Other names: c.247-173C>A (NM_001377290.1, NM_078485.4, NM_001377289.1).
Identifiers: ClinVar variation 677871 (VCV000677871.1), dbSNP rs603410, ClinGen allele CA140818273.

ClinVar aggregate classification (germline): Benign (1 of 4 stars; one submission).

Allele frequency attached by ClinVar (database versions not stated): gnomAD exomes 0.03306; gnomAD 0.07659 and 0.07801; TOPMed 0.08707; 1000 Genomes Project 0.10284; 1000 Genomes Project 30x 0.10821.
gnomAD v4.1: 26,940 of 610,962 alleles (4.4%); highest among the groups gnomAD compares: African/African-American, 20%; 1,819 homozygotes.

Submission:

GeneDx
Classification: Benign. Last evaluated: 2018-06-14. Review status: criteria provided, single submitter. Criteria: GeneDx Variant Classification (06012015). Collection method: clinical testing. Allele origin: germline. Affected: yes.
Comment: This variant is considered likely benign or benign based on one or more of the following criteria: it is a conservative change, it occurs at a poorly conserved position in the protein, it is predicted to be benign by multiple in silico algorithms, and/or has population frequency not consistent with disease.